The following is an entry in ClinVar:

NM_000310.4(PPT1):c.627+105A>C

Gene: PPT1 (palmitoyl-protein thioesterase 1; minus strand). Cytogenetic location: 1p34.2.
Variant type: single nucleotide variant.
Coding change: c.627+105A>C on transcript NM_000310.4 (MANE Select); 105 bases into the intron after coding-DNA position 627, A replaced by C.
Molecular consequence: intron variant.
Genome position (GRCh38, 1-based): chr1:40,080,292, T>G on the plus strand (A>C on the coding strand, the complement: PPT1 is on the minus strand). VCF-style: chr1-40080292-T-G. GRCh37 (hg19) VCF-style: chr1-40545964-T-G.
Other names: c.318+105A>C (NM_001142604.2); c.627+105A>C (NM_001363695.2).
Identifiers: ClinVar variation 1180456 (VCV001180456.8), dbSNP rs3122428, ClinGen allele CA10978646.
Genomic context (GRCh38, chr1:40,080,292, plus strand): 5'-AAAGGGAACTGAATCTCAAAGGCCCTGCCTCCCAAAAAAAACAGAACTTCTCTTTCCTAG[T>G]GTCTGCCCAGGACAGTTTGGGTAAACAGTCACTGCTGATTTGTTTATGAAGACCTAAACA-3'

ClinVar aggregate classification (germline): Benign. Review status: criteria provided, multiple submitters, no conflicts (2 of 4 stars). 4 submissions from 4 submitters: Benign (4). Last evaluated 2024-07-15.

Conditions:
Neuronal ceroid lipofuscinosis 1 (CLN1). Also called: PPT1-Related Neuronal Ceroid-Lipofuscinosis; CEROID LIPOFUSCINOSIS, NEURONAL, 1, VARIABLE AGE AT ONSET. Identifiers: Orphanet 228329, MedGen C1850451, MONDO:0009744, OMIM 256730.

Allele frequency attached by ClinVar (database versions not stated): 1000 Genomes Project 30x 0.72767; 1000 Genomes Project 0.73423; TOPMed 0.73595; gnomAD 0.73827 and 0.73832; gnomAD exomes 0.74966.
gnomAD v4.1: 886,239 of 1,183,728 alleles (75%); highest among the groups gnomAD compares: Middle Eastern, 78%; 332,659 homozygotes.

Submissions (4):

Unidad de Genómica Garrahan, Hospital de Pediatría Garrahan
Classification: Benign. Last evaluated: 2024-07-15. Review status: criteria provided, single submitter. Criteria: ACMG Guidelines, 2015. Collection method: clinical testing. Allele origin: germline. Affected: no. Observed: 40 variant alleles.
Comment: This variant is classified as Benign based on local population frequency. This variant was detected in 43% of patients studied in a panel designed for Epileptic and Developmental Encephalopathy and Progressive Myoclonus Epilepsy. Number of patients: 40. Only high quality variants are reported.

Genome-Nilou Lab
Classification: Benign for Neuronal ceroid lipofuscinosis 1. Last evaluated: 2021-07-08. Review status: criteria provided, single submitter. Criteria: ACMG Guidelines, 2015. Collection method: clinical testing. Allele origin: germline. Affected: no.

GeneDx
Classification: Benign. Last evaluated: 2018-06-25. Review status: criteria provided, single submitter. Criteria: GeneDx Variant Classification Process June 2021. Collection method: clinical testing. Allele origin: germline. Affected: yes.

Breakthrough Genomics
Classification: Benign. Review status: criteria provided, single submitter. Criteria: ACMG Guidelines, 2015. Collection method: not provided. Allele origin: germline. Inheritance: Autosomal recessive inheritance. Affected: yes.